The following is an entry in ClinVar:

ClinVar aggregate classification (germline): Uncertain significance. Review status: criteria provided, multiple submitters, no conflicts (2 of 4 stars). 2 submissions from 2 submitters: Uncertain significance (2). Last evaluated 2025-02-16.

Conditions:
Cardiovascular phenotype. Identifiers: MedGen CN230736.

Allele frequency attached by ClinVar (database versions not stated): ExAC 0.00002.
gnomAD v4.1: 4 of 1,612,950 alleles (0.00025%); highest among the groups gnomAD compares: Non-Finnish European, 0.00034%; no homozygotes.

Submissions (2):

Labcorp Genetics (formerly Invitae), Labcorp
Classification: Uncertain significance. Last evaluated: 2025-02-16. Review status: criteria provided, single submitter. Criteria: Invitae Variant Classification Sherloc (09022015). Collection method: clinical testing. Allele origin: germline.
Comment: This sequence change falls in intron 8 of the MFAP5 gene. It does not directly change the encoded amino acid sequence of the MFAP5 protein. It affects a nucleotide within the consensus splice site. This variant is present in population databases (rs775163759, gnomAD 0.002%). This variant has not been reported in the literature in individuals affected with MFAP5-related conditions. ClinVar contains an entry for this variant (Variation ID: 1954530). Variants that disrupt the consensus splice site are a relatively common cause of aberrant splicing (PMID: 17576681, 9536098). Algorithms developed to predict the effect of sequence changes on RNA splicing suggest that this variant is not likely to affect RNA splicing. In summary, the available evidence is currently insufficient to determine the role of this variant in disease. Therefore, it has been classified as a Variant of Uncertain Significance.

Ambry Genetics
Classification: Uncertain significance for Cardiovascular phenotype. Last evaluated: 2022-11-17. Review status: criteria provided, single submitter. Criteria: Ambry Variant Classification Scheme 2023. Collection method: clinical testing. Allele origin: germline.
Comment: The c.336-3C>T intronic variant results from a C to T substitution 3 nucleotides upstream from coding exon 8 in the MFAP5 gene. This nucleotide position is highly conserved in available vertebrate species. In silico splice site analysis for this alteration is inconclusive. The evidence for this gene-disease relationship is limited; therefore, the clinical significance of this alteration is unclear.

Literature cited by the submitters: PubMed 17576681 (cited by Labcorp Genetics (formerly Invitae), Labcorp); PubMed 9536098 (cited by Labcorp Genetics (formerly Invitae), Labcorp).

NM_003480.4(MFAP5):c.336-3C>T

Gene: MFAP5 (microfibril associated protein 5; minus strand). Cytogenetic location: 12p13.31.
Variant type: single nucleotide variant.
Coding change: c.336-3C>T on transcript NM_003480.4 (MANE Select); 3 bases into the intron before coding-DNA position 336, C replaced by T.
Molecular consequence: intron variant.
Genome position (GRCh38, 1-based): chr12:8,649,577, G>A on the plus strand (C>T on the coding strand, the complement: MFAP5 is on the minus strand). VCF-style: chr12-8649577-G-A. GRCh37 (hg19) VCF-style: chr12-8802173-G-A.
Other names: c.270-3C>T (NM_001297710.2); c.261-3C>T (NM_001297711.2); c.218-1374C>T (NM_001297712.2); c.306-3C>T (NM_001297709.2); c.336-3C>T (NM_003480.2).
Identifiers: ClinVar variation 1954530 (VCV001954530.7), dbSNP rs775163759, ClinGen allele CA6434611.